The following is an entry in ClinVar:

NM_004629.2(FANCG):c.1062C>A (p.Cys354Ter)

Gene: FANCG (FA complementation group G; minus strand). Cytogenetic location: 9p13.3.
Variant type: single nucleotide variant.
Coding change: c.1062C>A on transcript NM_004629.2 (MANE Select); coding-DNA position 1062, C replaced by A.
Protein change: p.Cys354Ter; replaces cysteine 354 with a stop codon.
Molecular consequence: nonsense.
Genome position (GRCh38, 1-based): chr9:35,076,446, G>T on the plus strand (C>A on the coding strand, the complement: FANCG is on the minus strand). VCF-style: chr9-35076446-G-T. GRCh37 (hg19) VCF-style: chr9-35076443-G-T.
Other names: short protein forms C354*.
Identifiers: ClinVar variation 1436762 (VCV001436762.6), dbSNP rs745928033, ClinGen allele CA373310612.

ClinVar aggregate classification (germline): Pathogenic (1 of 4 stars; one submission).

Conditions:
Fanconi anemia (FA). Also called: Fanconi's anemia. Identifiers: Orphanet 84, MedGen C0015625, MeSH D005199, MONDO:0019391.

gnomAD v4.1: 1 of 1,614,076 alleles (0.000062%); highest among the groups gnomAD compares: Admixed American, 0.0017%; no homozygotes.

Submission:

Labcorp Genetics (formerly Invitae), Labcorp
Classification: Pathogenic for Fanconi anemia. Last evaluated: 2021-03-10. Review status: criteria provided, single submitter. Criteria: Invitae Variant Classification Sherloc (09022015). Collection method: clinical testing. Allele origin: germline.
Comment: This variant has not been reported in the literature in individuals with FANCG-related conditions. This sequence change creates a premature translational stop signal (p.Cys354*) in the FANCG gene. It is expected to result in an absent or disrupted protein product. Loss-of-function variants in FANCG are known to be pathogenic (PMID: 12552564). This variant is not present in population databases (ExAC no frequency). Algorithms developed to predict the effect of sequence changes on RNA splicing suggest that this variant may create or strengthen a splice site, but this prediction has not been confirmed by published transcriptional studies. For these reasons, this variant has been classified as Pathogenic.

Literature cited by the submitters: PubMed 12552564.